The following is an entry in ClinVar:

ClinVar aggregate classification (germline): Uncertain significance. Review status: criteria provided, multiple submitters, no conflicts (2 of 4 stars). 2 submissions from 2 submitters: Uncertain significance (2). Last evaluated 2025-12-01.

Conditions:
Inborn genetic diseases. Identifiers: MedGen C0950123, MeSH D030342.

gnomAD v4.1: 2 of 1,613,194 alleles (0.00012%); highest among the groups gnomAD compares: Non-Finnish European, 0.00017%; no homozygotes.

Submissions (2):

Women's Health and Genetics/Laboratory Corporation of America, LabCorp
Classification: Uncertain significance. Last evaluated: 2025-12-01. Review status: criteria provided, single submitter. Criteria: LabCorp Variant Classification Summary - May 2015. Collection method: clinical testing. Allele origin: germline.
Comment: Variant summary: PSEN1 c.397A>G (p.Ile133Val) results in a conservative amino acid change in the encoded protein sequence. Algorithms developed to predict the effect of missense changes on protein structure and function are either unavailable or do not agree on the potential impact of this missense change. The variant was absent in 251460 control chromosomes. The available data on variant occurrences in the general population are insufficient to allow any conclusion about variant significance. To our knowledge, no occurrence of c.397A>G in individuals affected with PSEN1-related conditions and no experimental evidence demonstrating its impact on protein function have been reported. No submitters have cited clinical-significance assessments for this variant to ClinVar. Based on the evidence outlined above, the variant was classified as uncertain significance.

Ambry Genetics
Classification: Uncertain significance for Inborn genetic diseases. Last evaluated: 2025-11-20. Review status: criteria provided, single submitter. Criteria: Ambry Variant Classification Scheme 2023. Collection method: clinical testing. Allele origin: germline.

NM_000021.4(PSEN1):c.397A>G (p.Ile133Val)

Gene: PSEN1 (presenilin 1; plus strand). Cytogenetic location: 14q24.2.
Variant type: single nucleotide variant.
Coding change: c.397A>G on transcript NM_000021.4 (MANE Select); coding-DNA position 397, A replaced by G.
Protein change: p.Ile133Val; replaces isoleucine 133 with valine.
Molecular consequence: missense variant.
Genome position (GRCh38, 1-based): chr14:73,173,624, A>G. VCF-style: chr14-73173624-A-G. GRCh37 (hg19) VCF-style: chr14-73640332-A-G.
Other names: c.385A>G, p.Ile129Val (NM_007318.3); short protein forms I133V, I129V.
Identifiers: ClinVar variation 4628555 (VCV004628555.2).